The following is an entry in ClinVar:

ClinVar aggregate classification (germline): Uncertain significance (1 of 4 stars; one submission).

Submission:

GeneDx
Classification: Uncertain significance. Last evaluated: 2023-12-29. Review status: criteria provided, single submitter. Criteria: GeneDx Variant Classification Process June 2021. Collection method: clinical testing. Allele origin: germline. Affected: yes.
Comment: Not observed at significant frequency in large population cohorts (gnomAD); Frameshift variant predicted to result in abnormal protein length as the last 42 amino acids are replaced with unknown different amino acids; Has not been previously published as pathogenic or benign to our knowledge

NM_001379200.1(TBX1):c.1387_1444delinsGTACAT (p.His463fs)

Gene: TBX1 (T-box transcription factor 1; plus strand). Cytogenetic location: 22q11.21.
Variant type: Indel.
Coding change: c.1387_1444delinsGTACAT on transcript NM_001379200.1 (MANE Select); coding-DNA positions 1387 to 1444, the reference bases replaced by GTACAT.
Protein change: p.His463fs; shifts the reading frame from histidine 463.
Molecular consequence: frameshift variant. On other transcripts: intron variant (2).
Genome position (GRCh38, 1-based): chr22:19,766,739-19,766,796, 58 bases replaced. GRCh37 (hg19): chr22:19,754,262-19,754,319.
Other names: c.1360_1417delinsGTACAT, p.His454fs (NM_080647.1); c.1009+737_1009+794delinsGTACAT (NM_005992.1, NM_080646.2); short protein forms H454fs, H463fs.
Identifiers: ClinVar variation 3367375 (VCV003367375.1).